The following is an entry in ClinVar:

NM_024598.4(USB1):c.733C>T (p.Arg245Cys)

Gene: USB1 (U6 snRNA biogenesis phosphodiesterase 1; plus strand). Cytogenetic location: 16q21.
Variant type: single nucleotide variant.
Coding change: c.733C>T on transcript NM_024598.4 (MANE Select); coding-DNA position 733, C replaced by T.
Protein change: p.Arg245Cys; replaces arginine 245 with cysteine.
Molecular consequence: missense variant.
Genome position (GRCh38, 1-based): chr16:58,020,180, C>T. VCF-style: chr16-58020180-C-T. GRCh37 (hg19) VCF-style: chr16-58054084-C-T.
Other names: c.679C>T, p.Arg227Cys (NM_001195302.2); c.580C>T, p.Arg194Cys (NM_001330568.2); c.733C>T (NM_024598.3); short protein forms R194C, R227C, R245C.
Identifiers: ClinVar variation 1444315 (VCV001444315.5), dbSNP rs182418203, ClinGen allele CA281641848.

ClinVar aggregate classification (germline): Uncertain significance. Review status: criteria provided, multiple submitters, no conflicts (2 of 4 stars). 2 submissions from 2 submitters: Uncertain significance (2). Last evaluated 2025-10-12.

Conditions:
Inborn genetic diseases. Identifiers: MedGen C0950123, MeSH D030342.

Allele frequency attached by ClinVar (database versions not stated): gnomAD exomes 0.00001 and below 0.00001; gnomAD 0.00001; 1000 Genomes Project 30x 0.00016; 1000 Genomes Project 0.00020.
gnomAD v4.1: 9 of 1,614,144 alleles (0.00056%); highest among the groups gnomAD compares: South Asian, 0.0022%; no homozygotes.

Submissions (2):

Ambry Genetics
Classification: Uncertain significance for Inborn genetic diseases. Last evaluated: 2025-10-12. Review status: criteria provided, single submitter. Criteria: Ambry Variant Classification Scheme 2023. Collection method: clinical testing. Allele origin: germline.
Comment: The p.R245C variant (also known as c.733C>T), located in coding exon 7 of the USB1 gene, results from a C to T substitution at nucleotide position 733. The arginine at codon 245 is replaced by cysteine, an amino acid with highly dissimilar properties. This amino acid position is conserved. In addition, this alteration is predicted to be tolerated by in silico analysis. Based on the available evidence, the clinical significance of this variant remains unclear.

Labcorp Genetics (formerly Invitae), Labcorp
Classification: Uncertain significance. Last evaluated: 2021-02-12. Review status: criteria provided, single submitter. Criteria: Invitae Variant Classification Sherloc (09022015). Collection method: clinical testing. Allele origin: germline.
Comment: This variant is not present in population databases (ExAC no frequency). This sequence change replaces arginine with cysteine at codon 245 of the USB1 protein (p.Arg245Cys). The arginine residue is highly conserved and there is a large physicochemical difference between arginine and cysteine. This variant has not been reported in the literature in individuals with USB1-related conditions. In summary, the available evidence is currently insufficient to determine the role of this variant in disease. Therefore, it has been classified as a Variant of Uncertain Significance. Algorithms developed to predict the effect of sequence changes on RNA splicing suggest that this variant may create or strengthen a splice site, but this prediction has not been confirmed by published transcriptional studies. Algorithms developed to predict the effect of missense changes on protein structure and function are either unavailable or do not agree on the potential impact of this missense change (SIFT: "Not Available"; PolyPhen-2: "Benign"; Align-GVGD: "Not Available").